The following is an entry in ClinVar:

NM_000632.4(ITGAM):c.3151C>G (p.Leu1051Val)

Gene: ITGAM (integrin subunit alpha M; plus strand). Cytogenetic location: 16p11.2.
Variant type: single nucleotide variant.
Coding change: c.3151C>G on transcript NM_000632.4 (MANE Select); coding-DNA position 3151, C replaced by G.
Protein change: p.Leu1051Val; replaces leucine 1051 with valine.
Molecular consequence: missense variant.
Genome position (GRCh38, 1-based): chr16:31,330,398, C>G. VCF-style: chr16-31330398-C-G. GRCh37 (hg19) VCF-style: chr16-31341719-C-G.
Other names: c.3154C>G, p.Leu1052Val (NM_001145808.2); short protein forms L1051V, L1052V.
Identifiers: ClinVar variation 4724936 (VCV004724936.1).

ClinVar aggregate classification (germline): Uncertain significance (1 of 4 stars; one submission).

Submission:

Labcorp Genetics (formerly Invitae), Labcorp
Classification: Uncertain significance. Last evaluated: 2025-08-06. Review status: criteria provided, single submitter. Criteria: Invitae Variant Classification Sherloc (09022015). Collection method: clinical testing. Allele origin: germline.
Comment: This sequence change replaces leucine, which is neutral and non-polar, with valine, which is neutral and non-polar, at codon 1051 of the ITGAM protein (p.Leu1051Val). This variant is not present in population databases (gnomAD no frequency). This variant has not been reported in the literature in individuals affected with ITGAM-related conditions. An algorithm developed to predict the effect of missense changes on protein structure and function (PolyPhen-2) suggests that this variant is likely to be disruptive. In summary, the available evidence is currently insufficient to determine the role of this variant in disease. Therefore, it has been classified as a Variant of Uncertain Significance.